The following is an entry in ClinVar:

ClinVar aggregate classification (germline): Benign. Review status: criteria provided, multiple submitters, no conflicts (2 of 4 stars). 3 submissions from 3 submitters: Benign (3). Last evaluated 2019-10-22.

Submissions (3):

GeneDx
Classification: Benign. Last evaluated: 2019-10-22. Review status: criteria provided, single submitter. Criteria: GeneDx Variant Classification Process June 2021. Collection method: clinical testing. Allele origin: germline. Affected: yes.

Mayo Clinic Laboratories, Mayo Clinic
Classification: Benign. Last evaluated: 2015-03-30. Review status: criteria provided, single submitter. Criteria: ACMG Guidelines, 2015. Collection method: clinical testing. Allele origin: germline. Observed: 242 variant alleles.

Laboratory for Molecular Medicine, Mass General Brigham Personalized Medicine
Classification: Benign. Last evaluated: 2012-02-02. Review status: criteria provided, single submitter. Criteria: LMM Criteria. Collection method: clinical testing. Allele origin: germline. Observed: 670 variant alleles.
Comment: Seen in large # of cases, reported in dbSNP (1000 Genomes data, no MAF) Likely Taq Slippage based on Sanger traces and does not change the ROI, so exclude from reports.

NM_016599.5(MYOZ2):c.561-13dup

Gene: MYOZ2 (myozenin 2; plus strand). Cytogenetic location: 4q26.
Variant type: Duplication.
Coding change: c.561-13dup on transcript NM_016599.5 (MANE Select); 13 bases into the intron before coding-DNA position 561, one base duplicated (T; older notation c.561-13dupT).
Genome position (GRCh38, 1-based): chr4:119,185,953, T duplicated; the last of 10 consecutive T bases (chr4:119,185,944-119,185,953); duplicating any one gives the same sequence. VCF-style (leftmost placement, unchanged base first): chr4-119185943-G-GT. GRCh37 (hg19) VCF-style: chr4-120107098-G-GT.
Other names: c.561-13dupT (NM_016599.4).
Identifiers: ClinVar variation 45786 (VCV000045786.9), dbSNP rs112369914, ClinGen allele CA282617.
Genomic context (GRCh38, chr4:119,185,943, plus strand): 5'-TGCCTATAAAATTATGAAATTGTTTTCTATTTTGACAAATTTGAATATTAATTGAGATCT[G>GT]TTTTTTTTTTAATTTCCCACAGGGTTGCCACACCATTTGGAGGTTTTGAAAAAGCATCAA-3'